The following is an entry in ClinVar:

ClinVar aggregate classification (germline): Likely pathogenic (1 of 4 stars; one submission).

gnomAD v4.1: 4 of 1,515,514 alleles (0.00026%); highest among the groups gnomAD compares: East Asian, 0.0023%; no homozygotes.

Submission:

Labcorp Genetics (formerly Invitae), Labcorp
Classification: Likely pathogenic. Last evaluated: 2021-09-15. Review status: criteria provided, single submitter. Criteria: Invitae Variant Classification Sherloc (09022015). Collection method: clinical testing. Allele origin: germline.
Comment: In summary, the currently available evidence indicates that the variant is pathogenic, but additional data are needed to prove that conclusively. Therefore, this variant has been classified as Likely Pathogenic. Algorithms developed to predict the effect of sequence changes on RNA splicing suggest that this variant may disrupt the consensus splice site. This variant has not been reported in the literature in individuals affected with SEPSECS-related conditions. This variant is not present in population databases (ExAC no frequency). This sequence change affects a donor splice site in intron 3 of the SEPSECS gene. It is expected to disrupt RNA splicing. Variants that disrupt the donor or acceptor splice site typically lead to a loss of protein function (PMID: 16199547), and loss-of-function variants in SEPSECS are known to be pathogenic (PMID: 25558065, 25590979, 26115735).

Literature cited by the submitters: PubMed 16199547; PubMed 25558065; PubMed 25590979; PubMed 26115735.

NM_016955.4(SEPSECS):c.388+1G>A

Gene: SEPSECS (Sep (O-phosphoserine) tRNA:Sec (selenocysteine) tRNA synthase; minus strand). Cytogenetic location: 4p15.2.
Variant type: single nucleotide variant.
Coding change: c.388+1G>A on transcript NM_016955.4 (MANE Select); the canonical splice donor site of the intron after coding-DNA position 388, G replaced by A.
Molecular consequence: splice donor variant.
Genome position (GRCh38, 1-based): chr4:25,156,855, C>T on the plus strand (G>A on the coding strand, the complement: SEPSECS is on the minus strand). VCF-style: chr4-25156855-C-T. GRCh37 (hg19) VCF-style: chr4-25158477-C-T.
Other names: c.643+1G>A (NM_001410714.1).
Identifiers: ClinVar variation 1478554 (VCV001478554.7), dbSNP rs2109035570, ClinGen allele CA356542530.